The following is an entry in ClinVar:

ClinVar aggregate classification (germline): Uncertain significance. Review status: criteria provided, single submitter (1 of 4 stars). 2 submissions from 2 submitters: Uncertain significance (1). 1 of the submissions does not count toward it. Last evaluated 2024-10-22.

Conditions:
Insulin-dependent diabetes mellitus secretory diarrhea syndrome (IPEX). Also called: Immune dysregulation-polyendocrinopathy-enteropathy-X-linked syndrome; Immunodeficiency, Polyendocrinopathy, and Enteropathy X-Linked Syndrome; X-Linked Syndrome of Polyendocrinopathy, Immune Dysfunction, and Diarrhea; IPEX and IPEX-Like; IMMUNODEFICIENCY, POLYENDOCRINOPATHY, AND ENTEROPATHY, X-LINKED; DIABETES MELLITUS, CONGENITAL INSULIN-DEPENDENT, WITH FATAL SECRETORY DIARRHEA. Identifiers: Orphanet 37042, MedGen C0342288, MONDO:0010580, OMIM 304790. Disease mechanism: loss of function.
FOXP3-related disorder. Also called: FOXP3-related condition.

Allele frequency attached by ClinVar (database versions not stated): gnomAD exomes below 0.00001; ExAC 0.00001; gnomAD 0.00003; TOPMed 0.00004; ESP Exome Variant Server 0.00009.
gnomAD v4.1: 8 of 1,210,293 alleles (0.00066%); highest among the groups gnomAD compares: African/African-American, 0.012%; no homozygotes.

Submissions (2):

Labcorp Genetics (formerly Invitae), Labcorp
Classification: Uncertain significance for Insulin-dependent diabetes mellitus secretory diarrhea syndrome. Last evaluated: 2024-10-22. Review status: criteria provided, single submitter. Criteria: Invitae Variant Classification Sherloc (09022015). Collection method: clinical testing. Allele origin: germline.
Comment: This sequence change replaces proline, which is neutral and non-polar, with arginine, which is basic and polar, at codon 174 of the FOXP3 protein (p.Pro174Arg). This variant is present in population databases (rs370358803, gnomAD 0.008%). This variant has not been reported in the literature in individuals affected with FOXP3-related conditions. ClinVar contains an entry for this variant (Variation ID: 2167133). Invitae Evidence Modeling of protein sequence and biophysical properties (such as structural, functional, and spatial information, amino acid conservation, physicochemical variation, residue mobility, and thermodynamic stability) indicates that this missense variant is not expected to disrupt FOXP3 protein function with a negative predictive value of 80%. In summary, the available evidence is currently insufficient to determine the role of this variant in disease. Therefore, it has been classified as a Variant of Uncertain Significance.

PreventionGenetics, part of Exact Sciences
Classification: Uncertain significance for FOXP3-related condition. Last evaluated: 2024-07-24. Review status: no assertion criteria provided. Collection method: clinical testing. Allele origin: germline. Not counted in ClinVar's aggregate classification.
Comment: The FOXP3 c.521C>G variant is predicted to result in the amino acid substitution p.Pro174Arg. To our knowledge, this variant has not been reported in the literature. This variant is reported in 0.0076% of alleles in individuals of African descent in gnomAD, including one hemizygote. Although we suspect that this variant may be benign, at this time, the clinical significance of this variant is uncertain due to the absence of conclusive functional and genetic evidence.

NM_014009.4(FOXP3):c.521C>G (p.Pro174Arg)

Gene: FOXP3 (forkhead box P3; minus strand). Cytogenetic location: Xp11.23.
Variant type: single nucleotide variant.
Coding change: c.521C>G on transcript NM_014009.4 (MANE Select); coding-DNA position 521, C replaced by G.
Protein change: p.Pro174Arg; replaces proline 174 with arginine.
Molecular consequence: missense variant.
Genome position (GRCh38, 1-based): chrX:49,256,946, G>C on the plus strand (C>G on the coding strand, the complement: FOXP3 is on the minus strand). VCF-style: chrX-49256946-G-C. GRCh37 (hg19) VCF-style: chrX-49113403-G-C.
Other names: c.416C>G, p.Pro139Arg (NM_001114377.2); short protein forms P139R, P174R.
Identifiers: ClinVar variation 2167133 (VCV002167133.5), dbSNP rs370358803, ClinGen allele CA10411787.